The following is an entry in ClinVar:

ClinVar aggregate classification (germline): Uncertain significance (1 of 4 stars; one submission).

Conditions:
Bethlem myopathy 2 (BTHLM2). Identifiers: Orphanet 536516, Orphanet 610, MedGen C4225313, MONDO:0034022, OMIM 616471.
Ullrich congenital muscular dystrophy 2 (UCMD2). Identifiers: Orphanet 75840, MedGen C4225314, MONDO:0014654, OMIM 616470.

gnomAD v4.1: 2 of 1,589,076 alleles (0.00013%); highest among the groups gnomAD compares: Non-Finnish European, 0.00017%; no homozygotes.

Submission:

Labcorp Genetics (formerly Invitae), Labcorp
Classification: Uncertain significance for Bethlem myopathy 2; Ullrich congenital muscular dystrophy 2. Last evaluated: 2022-10-17. Review status: criteria provided, single submitter. Criteria: Invitae Variant Classification Sherloc (09022015). Collection method: clinical testing. Allele origin: germline.
Comment: In summary, the available evidence is currently insufficient to determine the role of this variant in disease. Therefore, it has been classified as a Variant of Uncertain Significance. Algorithms developed to predict the effect of sequence changes on RNA splicing suggest that this variant may disrupt the consensus splice site. Advanced modeling of protein sequence and biophysical properties (such as structural, functional, and spatial information, amino acid conservation, physicochemical variation, residue mobility, and thermodynamic stability) performed at Invitae indicates that this missense variant is expected to disrupt COL12A1 protein function. This variant has not been reported in the literature in individuals affected with COL12A1-related conditions. This variant is not present in population databases (gnomAD no frequency). This sequence change replaces glycine, which is neutral and non-polar, with arginine, which is basic and polar, at codon 2572 of the COL12A1 protein (p.Gly2572Arg).

NM_004370.6(COL12A1):c.7714G>A (p.Gly2572Arg)

Gene: COL12A1 (collagen type XII alpha 1 chain; minus strand). Cytogenetic location: 6q13.
Variant type: single nucleotide variant.
Coding change: c.7714G>A on transcript NM_004370.6 (MANE Select); coding-DNA position 7714, G replaced by A.
Protein change: p.Gly2572Arg; replaces glycine 2572 with arginine.
Molecular consequence: missense variant.
Genome position (GRCh38, 1-based): chr6:75,113,728, C>T on the plus strand (G>A on the coding strand, the complement: COL12A1 is on the minus strand). VCF-style: chr6-75113728-C-T. GRCh37 (hg19) VCF-style: chr6-75823444-C-T.
Other names: c.4222G>A, p.Gly1408Arg (NM_080645.3); short protein forms G1408R, G2572R.
Identifiers: ClinVar variation 2058901 (VCV002058901.4), dbSNP rs2533168798, ClinGen allele CA364744463.